The following is an entry in ClinVar:

NM_000395.3(CSF2RB):c.1784G>A (p.Gly595Glu)

Gene: CSF2RB (colony stimulating factor 2 receptor subunit beta; plus strand). Cytogenetic location: 22q12.3.
Variant type: single nucleotide variant.
Coding change: c.1784G>A on transcript NM_000395.3 (MANE Select); coding-DNA position 1784, G replaced by A.
Protein change: p.Gly595Glu; replaces glycine 595 with glutamic acid.
Molecular consequence: missense variant.
Genome position (GRCh38, 1-based): chr22:36,937,592, G>A. VCF-style: chr22-36937592-G-A. GRCh37 (hg19) VCF-style: chr22-37333634-G-A.
Other names: c.1802G>A, p.Gly601Glu (NM_001410827.1); c.1784G>A (NM_000395.2); short protein forms G595E, G601E.
Identifiers: ClinVar variation 3620128 (VCV003620128.3).

ClinVar aggregate classification (germline): Uncertain significance. Review status: criteria provided, multiple submitters, no conflicts (2 of 4 stars). 2 submissions from 2 submitters: Uncertain significance (2). Last evaluated 2025-10-15.

Conditions:
Inborn genetic diseases. Identifiers: MedGen C0950123, MeSH D030342.

gnomAD v4.1: 4 of 1,596,700 alleles (0.00025%); highest among the groups gnomAD compares: African/African-American, 0.0013%; no homozygotes.

Submissions (2):

Ambry Genetics
Classification: Uncertain significance for Inborn genetic diseases. Last evaluated: 2025-10-15. Review status: criteria provided, single submitter. Criteria: Ambry Variant Classification Scheme 2023. Collection method: clinical testing. Allele origin: germline.

Labcorp Genetics (formerly Invitae), Labcorp
Classification: Uncertain significance. Last evaluated: 2024-07-03. Review status: criteria provided, single submitter. Criteria: Invitae Variant Classification Sherloc (09022015). Collection method: clinical testing. Allele origin: germline.
Comment: This sequence change replaces glycine, which is neutral and non-polar, with glutamic acid, which is acidic and polar, at codon 595 of the CSF2RB protein (p.Gly595Glu). This variant is present in population databases (rs763530275, gnomAD 0.002%). This variant has not been reported in the literature in individuals affected with CSF2RB-related conditions. Advanced modeling of protein sequence and biophysical properties (such as structural, functional, and spatial information, amino acid conservation, physicochemical variation, residue mobility, and thermodynamic stability) performed at Invitae indicates that this missense variant is expected to disrupt CSF2RB protein function with a positive predictive value of 80%. In summary, the available evidence is currently insufficient to determine the role of this variant in disease. Therefore, it has been classified as a Variant of Uncertain Significance.